The following is an entry in ClinVar:

ClinVar aggregate classification (germline): Uncertain significance (1 of 4 stars; one submission).

Allele frequency attached by ClinVar (database versions not stated): gnomAD exomes below 0.00001 and 0.00001; ExAC 0.00001.
gnomAD v4.1: 3 of 1,614,118 alleles (0.00019%); highest among the groups gnomAD compares: Non-Finnish European, 0.00017%; no homozygotes.

Submission:

Labcorp Genetics (formerly Invitae), Labcorp
Classification: Uncertain significance. Last evaluated: 2020-08-26. Review status: criteria provided, single submitter. Criteria: Invitae Variant Classification Sherloc (09022015). Collection method: clinical testing. Allele origin: germline.
Comment: This sequence change replaces isoleucine with methionine at codon 1144 of the POLE protein (p.Ile1144Met). The isoleucine residue is highly conserved and there is a small physicochemical difference between isoleucine and methionine. This variant is present in population databases (rs772089151, ExAC 0.001%). This variant has not been reported in the literature in individuals with POLE-related disease. Algorithms developed to predict the effect of missense changes on protein structure and function are either unavailable or do not agree on the potential impact of this missense change (SIFT: "Deleterious"; PolyPhen-2: "Probably Damaging"; Align-GVGD: "Class C0"). In summary, the available evidence is currently insufficient to determine the role of this variant in disease. Therefore, it has been classified as a Variant of Uncertain Significance.

NM_006231.4(POLE):c.3432C>G (p.Ile1144Met)

Gene: POLE (DNA polymerase epsilon, catalytic subunit; minus strand). Cytogenetic location: 12q24.33.
Variant type: single nucleotide variant.
Coding change: c.3432C>G on transcript NM_006231.4 (MANE Select); coding-DNA position 3432, C replaced by G.
Protein change: p.Ile1144Met; replaces isoleucine 1144 with methionine.
Molecular consequence: missense variant.
Genome position (GRCh38, 1-based): chr12:132,657,376, G>C on the plus strand (C>G on the coding strand, the complement: POLE is on the minus strand). VCF-style: chr12-132657376-G-C. GRCh37 (hg19) VCF-style: chr12-133233962-G-C.
Other names: short protein forms I1144M.
Identifiers: ClinVar variation 655542 (VCV000655542.8), dbSNP rs772089151, ClinGen allele CA6893234.